The following is an entry in ClinVar:

ClinVar aggregate classification (germline): Pathogenic/Likely pathogenic. Review status: criteria provided, multiple submitters, no conflicts (2 of 4 stars). 3 submissions from 3 submitters: Pathogenic (1); Likely pathogenic (2). Last evaluated 2021-04-01.

Conditions:
RPGR-related disorder. Also called: RPGR-related condition.
Retinitis pigmentosa (RP). Identifiers: Orphanet 791, MedGen C0035334, MeSH D012174, MONDO:0019200, OMIM 268000. Inheritance: Autosomal dominant, autosomal recessive and X linked inheritance.
Retinal dystrophy. Also called: Inherited retinal dystrophy. Identifiers: Orphanet 71862, MedGen C0854723, MeSH D058499, MONDO:0019118, HP:0000556.

Submissions (3):

Broad Center for Mendelian Genomics, Broad Institute of MIT and Harvard
Classification: Likely pathogenic for Retinitis pigmentosa. Last evaluated: 2021-04-01. Review status: criteria provided, single submitter. Criteria: ACMG Guidelines, 2015. Collection method: curation. Allele origin: germline. Inheritance: X-linked inheritance. Affected: yes.
Comment: Through a review of available evidence we were able to apply the following criteria: PVS1, PM2. Based on this evidence we have classified this variant as Likely Pathogenic. If you have any questions about the classification please reach out to the Pierce Lab.

Blueprint Genetics
Classification: Pathogenic for RPGR-related disorders. Last evaluated: 2019-10-01. Review status: criteria provided, single submitter. Criteria: ACMG Guidelines, 2015. Collection method: clinical testing. Allele origin: germline. Affected: yes. Observed: 1 variant allele.

Institute of Human Genetics, Univ. Regensburg, Univ. Regensburg
Classification: Likely pathogenic for Retinal dystrophy. Last evaluated: 2007-01-01. Review status: criteria provided, single submitter. Criteria: ACMG Guidelines, 2015. Collection method: clinical testing. Allele origin: germline. Affected: yes.

Literature cited by the submitters: PubMed 34906470 (cited by Broad Center for Mendelian Genomics, Broad Institute of MIT and Harvard); PubMed 30543658 (cited by Institute of Human Genetics, Univ. Regensburg, Univ. Regensburg); PubMed 3214136 (cited by Institute of Human Genetics, Univ. Regensburg, Univ. Regensburg).

NM_001034853.2(RPGR):c.2452G>T (p.Glu818Ter)

Gene: RPGR (retinitis pigmentosa GTPase regulator; minus strand). Cytogenetic location: Xp11.4.
Variant type: single nucleotide variant.
Coding change: c.2452G>T on transcript NM_001034853.2 (MANE Select); coding-DNA position 2452, G replaced by T.
Protein change: p.Glu818Ter; replaces glutamic acid 818 with a stop codon.
Molecular consequence: nonsense. On other transcripts: intron variant (8).
Genome position (GRCh38, 1-based): chrX:38,286,547, C>A on the plus strand (G>T on the coding strand, the complement: RPGR is on the minus strand). VCF-style: chrX-38286547-C-A. GRCh37 (hg19) VCF-style: chrX-38145800-C-A.
Other names: c.1569+4412G>T (NM_001367249.1, NM_001367250.1); c.1902+547G>T (NM_001367245.1); c.1386+4412G>T (NM_001367251.1); c.1719+547G>T (NM_001367246.1); c.1572+4412G>T (NM_001367247.1); c.1905+547G>T (NM_000328.3); c.1602+4412G>T (NM_001367248.1); short protein forms E818*.
Identifiers: ClinVar variation 1297119 (VCV001297119.4), dbSNP rs2147197770, ClinGen allele CA412730607.